The following is an entry in ClinVar:

ClinVar aggregate classification (germline): Likely benign. Review status: criteria provided, single submitter (1 of 4 stars). 2 submissions from 2 submitters: Likely benign (1). 1 of the submissions does not count toward it. Last evaluated 2024-10-11.

Conditions:
PSTPIP1-related disorder. Also called: PSTPIP1-related condition.

Allele frequency attached by ClinVar (database versions not stated): gnomAD 0.00003; ExAC 0.00009.
gnomAD v4.1: 45 of 1,289,008 alleles (0.0035%); highest among the groups gnomAD compares: Middle Eastern, 0.13%; 1 homozygote.

Submissions (2):

Blueprint Genetics
Classification: Likely benign. Last evaluated: 2024-10-11. Review status: criteria provided, single submitter. Criteria: ACMG Guidelines, 2015. Collection method: clinical testing. Allele origin: germline.

PreventionGenetics, part of Exact Sciences
Classification: Likely benign for PSTPIP1-related condition. Last evaluated: 2019-07-15. Review status: no assertion criteria provided. Collection method: clinical testing. Allele origin: germline. Not counted in ClinVar's aggregate classification.
Comment: This variant is classified as likely benign based on ACMG/AMP sequence variant interpretation guidelines (Richards et al. 2015 PMID: 25741868, with internal and published modifications).

NM_001321137.1(PSTPIP1):c.26+6C>T

Gene: PSTPIP1 (proline-serine-threonine phosphatase interacting protein 1; plus strand). Cytogenetic location: 15q24.3.
Variant type: single nucleotide variant.
Coding change: c.26+6C>T on transcript NM_001321137.1; 6 bases into the intron after coding-DNA position 26, C replaced by T.
Molecular consequence: intron variant.
Genome position (GRCh38, 1-based): chr15:76,994,821, C>T. VCF-style: chr15-76994821-C-T. GRCh37 (hg19) VCF-style: chr15-77287162-C-T.
Identifiers: ClinVar variation 3050859 (VCV003050859.3), dbSNP rs534732228, ClinGen allele CA7675586.